The following is an entry in ClinVar:

ClinVar aggregate classification (germline): Likely benign. Review status: criteria provided, multiple submitters, no conflicts (2 of 4 stars). 2 submissions from 2 submitters: Likely benign (2). Last evaluated 2025-12-01.

Conditions:
Landau-Kleffner syndrome (FESD). Also called: EPILEPSY, FOCAL, WITH SPEECH DISORDER AND WITH OR WITHOUT MENTAL RETARDATION; APHASIA, ACQUIRED, WITH EPILEPSY. Identifiers: Orphanet 1945, Orphanet 725, Orphanet 98818, MedGen C0282512, MONDO:0009509, OMIM 245570.

Submissions (2):

CeGaT Center for Human Genetics Tuebingen
Classification: Likely benign. Last evaluated: 2025-12-01. Review status: criteria provided, single submitter. Criteria: CeGaT Center For Human Genetics Tuebingen Variant Classification Criteria Version 2. Collection method: clinical testing. Allele origin: germline. Affected: yes. Observed: 1 variant allele.
Comment: GRIN2A: PM2:Supporting, BP4, BP7

Labcorp Genetics (formerly Invitae), Labcorp
Classification: Likely benign for Landau-Kleffner syndrome. Last evaluated: 2022-05-21. Review status: criteria provided, single submitter. Criteria: Invitae Variant Classification Sherloc (09022015). Collection method: clinical testing. Allele origin: germline.

NM_001134407.3(GRIN2A):c.1410T>A (p.Thr470=)

Gene: GRIN2A (glutamate ionotropic receptor NMDA type subunit 2A; minus strand). Cytogenetic location: 16p13.2.
Variant type: single nucleotide variant.
Coding change: c.1410T>A on transcript NM_001134407.3 (MANE Select); coding-DNA position 1410, T replaced by A.
Protein change: p.Thr470=; no amino-acid change (threonine 470 retained).
Molecular consequence: synonymous variant.
Genome position (GRCh38, 1-based): chr16:9,841,023, A>T on the plus strand (T>A on the coding strand, the complement: GRIN2A is on the minus strand). VCF-style: chr16-9841023-A-T. GRCh37 (hg19) VCF-style: chr16-9934880-A-T.
Other names: c.1410T>A, p.Thr470= (NM_000833.5, NM_001134408.2).
Identifiers: ClinVar variation 1567216 (VCV001567216.13), dbSNP rs372058698, ClinGen allele CA493686442.